The following is an entry in ClinVar:

ClinVar aggregate classification (germline): Likely benign. Review status: criteria provided, multiple submitters, no conflicts (2 of 4 stars). 2 submissions from 2 submitters: Likely benign (2). Last evaluated 2024-03-14.

Conditions:
Hereditary spastic paraplegia 4. Also called: Spastic Paraplegia 4; Familial spastic paraplegia autosomal dominant 2; Spastic paraplegia 4, autosomal dominant. Identifiers: Orphanet 100985, MedGen C1866855, MONDO:0008438, OMIM 182601.

Allele frequency attached by ClinVar (database versions not stated): gnomAD exomes below 0.00001.
gnomAD v4.1: 4 of 1,612,430 alleles (0.00025%); highest among the groups gnomAD compares: Non-Finnish European, 0.00034%; no homozygotes.

Submissions (2):

Women's Health and Genetics/Laboratory Corporation of America, LabCorp
Classification: Likely benign. Last evaluated: 2024-03-14. Review status: criteria provided, single submitter. Criteria: LabCorp Variant Classification Summary - May 2015. Collection method: clinical testing. Allele origin: germline.
Comment: Variant summary: SPAST c.1632C>T alters a non-conserved nucleotide resulting in a synonymous change. Consensus agreement among computation tools predict no significant impact on normal splicing. However, these predictions have yet to be confirmed by functional studies. The variant was absent in 249872 control chromosomes. The available data on variant occurrences in the general population are insufficient to allow any conclusion about variant significance. To our knowledge, no occurrence of c.1632C>T in individuals affected with Spastic Paraplegia 4, Autosomal Dominant and no experimental evidence demonstrating its impact on protein function have been reported. ClinVar contains an entry for this variant (Variation ID: 3005371). Based on the evidence outlined above, the variant was classified as likely benign.

Labcorp Genetics (formerly Invitae), Labcorp
Classification: Likely benign for Hereditary spastic paraplegia 4. Last evaluated: 2023-09-11. Review status: criteria provided, single submitter. Criteria: Invitae Variant Classification Sherloc (09022015). Collection method: clinical testing. Allele origin: germline.

NM_014946.4(SPAST):c.1632C>T (p.Tyr544=)

Gene: SPAST (spastin; plus strand). Cytogenetic location: 2p22.3.
Variant type: single nucleotide variant.
Coding change: c.1632C>T on transcript NM_014946.4 (MANE Select); coding-DNA position 1632, C replaced by T.
Protein change: p.Tyr544=; no amino-acid change (tyrosine 544 retained).
Molecular consequence: synonymous variant. On other transcripts: intron variant (1).
Genome position (GRCh38, 1-based): chr2:32,144,952, C>T. VCF-style: chr2-32144952-C-T. GRCh37 (hg19) VCF-style: chr2-32370021-C-T.
Other names: c.1629C>T, p.Tyr543= (NM_001363823.2); c.1533C>T, p.Tyr511= (NM_001363875.2); c.1536C>T, p.Tyr512= (NM_199436.2); c.1520+1537C>T (NM_001377959.1).
Identifiers: ClinVar variation 3005371 (VCV003005371.5), dbSNP rs2465908146, ClinGen allele CA425454022.
Genomic context (GRCh38, chr2:32,144,952, plus strand): 5'-AGCGGGAGGGGAAATAATTTGCTGTTTCTTCCTTCCCTTCCTCAGAATGACTGATGGATA[C>T]TCAGGAAGTGACCTAACAGCTTTGGCAAAAGATGCAGCACTGGGTCCTATCCGAGGTAGG-3'
Protein context (NP_055761.2, residues 534-554): LAQLARMTDG[Tyr544=]SGSDLTALAK